The following is an entry in ClinVar:

NM_172364.5(CACNA2D4):c.34C>T (p.Pro12Ser)

Gene: CACNA2D4 (calcium voltage-gated channel auxiliary subunit alpha2delta 4; minus strand). Cytogenetic location: 12p13.33.
Variant type: single nucleotide variant.
Coding change: c.34C>T on transcript NM_172364.5 (MANE Select); coding-DNA position 34, C replaced by T.
Protein change: p.Pro12Ser; replaces proline 12 with serine.
Molecular consequence: missense variant.
Genome position (GRCh38, 1-based): chr12:1,918,440, G>A on the plus strand (C>T on the coding strand, the complement: CACNA2D4 is on the minus strand). VCF-style: chr12-1918440-G-A. GRCh37 (hg19) VCF-style: chr12-2027606-G-A.
Other names: c.34C>T (NM_172364.4); short protein forms P12S.
Identifiers: ClinVar variation 1934027 (VCV001934027.6), dbSNP rs972573273, ClinGen allele CA231592482.

ClinVar aggregate classification (germline): Uncertain significance. Review status: criteria provided, multiple submitters, no conflicts (2 of 4 stars). 2 submissions from 2 submitters: Uncertain significance (2). Last evaluated 2025-09-25.

Conditions:
Inborn genetic diseases. Identifiers: MedGen C0950123, MeSH D030342.

gnomAD v4.1: 7 of 1,580,616 alleles (0.00044%); highest among the groups gnomAD compares: Non-Finnish European, 0.0006%; no homozygotes.

Submissions (2):

Ambry Genetics
Classification: Uncertain significance for Inborn genetic diseases. Last evaluated: 2025-09-25. Review status: criteria provided, single submitter. Criteria: Ambry Variant Classification Scheme 2023. Collection method: clinical testing. Allele origin: germline.

Labcorp Genetics (formerly Invitae), Labcorp
Classification: Uncertain significance. Last evaluated: 2024-10-29. Review status: criteria provided, single submitter. Criteria: Invitae Variant Classification Sherloc (09022015). Collection method: clinical testing. Allele origin: germline.
Comment: This sequence change replaces proline, which is neutral and non-polar, with serine, which is neutral and polar, at codon 12 of the CACNA2D4 protein (p.Pro12Ser). This variant is not present in population databases (gnomAD no frequency). This variant has not been reported in the literature in individuals affected with CACNA2D4-related conditions. ClinVar contains an entry for this variant (Variation ID: 1934027). An algorithm developed to predict the effect of missense changes on protein structure and function (PolyPhen-2) suggests that this variant is likely to be tolerated. In summary, the available evidence is currently insufficient to determine the role of this variant in disease. Therefore, it has been classified as a Variant of Uncertain Significance.